The following is an entry in ClinVar:

ClinVar aggregate classification (germline): Uncertain significance. Review status: criteria provided, multiple submitters, no conflicts (2 of 4 stars). 3 submissions from 3 submitters: Uncertain significance (2). 1 of the submissions does not count toward it. Last evaluated 2025-03-27.

Conditions:
CNTNAP2-related disorder. Also called: CNTNAP2-related condition.
Cortical dysplasia-focal epilepsy syndrome (PTHSL1). Also called: Pitt-Hopkins-like syndrome 1. Identifiers: Orphanet 163681, Orphanet 221150, MedGen C2750246, MONDO:0012400, OMIM 610042.

Allele frequency attached by ClinVar (database versions not stated): ExAC 0.00006; gnomAD exomes 0.00006; gnomAD 0.00007 and 0.00008; TOPMed 0.00010; ESP Exome Variant Server 0.00023.
gnomAD v4.1: 106 of 1,613,944 alleles (0.0066%); highest among the groups gnomAD compares: Middle Eastern, 0.066%; no homozygotes.

Submissions (4):

GeneDx
Classification: Uncertain significance. Last evaluated: 2025-03-27. Review status: criteria provided, single submitter. Criteria: GeneDx Variant Classification Process June 2021. Collection method: clinical testing. Allele origin: germline. Affected: yes.
Comment: Has not been previously published as pathogenic or benign to our knowledge; In silico analysis indicates that this missense variant does not alter protein structure/function

Labcorp Genetics (formerly Invitae), Labcorp
Classification: Uncertain significance for Cortical dysplasia-focal epilepsy syndrome. Last evaluated: 2022-10-15. Review status: criteria provided, single submitter. Criteria: Invitae Variant Classification Sherloc (09022015). Collection method: clinical testing. Allele origin: germline.
Comment: This sequence change replaces glycine, which is neutral and non-polar, with serine, which is neutral and polar, at codon 652 of the CNTNAP2 protein (p.Gly652Ser). This variant is present in population databases (rs144623130, gnomAD 0.03%). This variant has not been reported in the literature in individuals affected with CNTNAP2-related conditions. ClinVar contains an entry for this variant (Variation ID: 856728). Algorithms developed to predict the effect of missense changes on protein structure and function output the following: SIFT: "Tolerated"; PolyPhen-2: "Benign"; Align-GVGD: "Class C0". The serine amino acid residue is found in multiple mammalian species, which suggests that this missense change does not adversely affect protein function. In summary, the available evidence is currently insufficient to determine the role of this variant in disease. Therefore, it has been classified as a Variant of Uncertain Significance.

PreventionGenetics, part of Exact Sciences
Classification: Uncertain significance for CNTNAP2-related condition. Last evaluated: 2024-01-08. Review status: no assertion criteria provided. Collection method: clinical testing. Allele origin: germline. Not counted in ClinVar's aggregate classification.
Comment: The CNTNAP2 c.1954G>A variant is predicted to result in the amino acid substitution p.Gly652Ser. To our knowledge, this variant has not been reported in the literature. This variant is reported in 0.031% of alleles in individuals of African descent in gnomAD. At this time, the clinical significance of this variant is uncertain due to the absence of conclusive functional and genetic evidence.

Dr. Peter K. Rogan Lab, Western University
No classification provided (evidence only). Condition: Uterine corpus endometrial carcinoma. Review status: no classification provided. Collection method: in vitro. Allele origin: not applicable. Functional consequence: retained intron. Not counted in ClinVar's aggregate classification.

NM_014141.6(CNTNAP2):c.1954G>A (p.Gly652Ser)

Gene: CNTNAP2 (contactin associated protein 2; plus strand). Cytogenetic location: 7q35.
Variant type: single nucleotide variant.
Coding change: c.1954G>A on transcript NM_014141.6 (MANE Select); coding-DNA position 1954, G replaced by A.
Protein change: p.Gly652Ser; replaces glycine 652 with serine.
Molecular consequence: missense variant.
Genome position (GRCh38, 1-based): chr7:147,639,162, G>A. VCF-style: chr7-147639162-G-A. GRCh37 (hg19) VCF-style: chr7-147336254-G-A.
Other names: short protein forms G652S.
Identifiers: ClinVar variation 856728 (VCV000856728.13), dbSNP rs144623130, ClinGen allele CA4546281.